The following is an entry in ClinVar:

NM_001130987.2(DYSF):c.1277-48A>G

Gene: DYSF (dysferlin; plus strand). Cytogenetic location: 2p13.2.
Variant type: single nucleotide variant.
Coding change: c.1277-48A>G on transcript NM_001130987.2 (MANE Select); 48 bases into the intron before coding-DNA position 1277, A replaced by G.
Molecular consequence: intron variant.
Genome position (GRCh38, 1-based): chr2:71,528,250, A>G. VCF-style: chr2-71528250-A-G. GRCh37 (hg19) VCF-style: chr2-71755380-A-G.
Other names: c.1274-48A>G (NM_001130979.2, NM_001130981.2, NM_001130980.2); c.1181-48A>G (NM_001130978.2, NM_003494.4, NM_001130977.2 and 1 more transcripts); c.1277-48A>G (NM_001130982.2, NM_001130985.2); c.1184-48A>G (NM_001130983.2, NM_001130455.2, NM_001130984.2 and 1 more transcripts).
Identifiers: ClinVar variation 259065 (VCV000259065.7), dbSNP rs4852800, ClinGen allele CA1705689.

ClinVar aggregate classification (germline): Benign. Review status: criteria provided, multiple submitters, no conflicts (2 of 4 stars). 6 submissions from 4 submitters: Benign (6). Last evaluated 2021-07-30.

Conditions:
Distal myopathy with anterior tibial onset. Identifiers: Orphanet 178400, MedGen C1847532, MONDO:0011721, OMIM 606768.
Miyoshi muscular dystrophy 1 (MMD1). Identifiers: Orphanet 45448, MedGen C4551973, MONDO:0024545, OMIM 254130.
Autosomal recessive limb-girdle muscular dystrophy type 2B (LGMDR2). Also called: MUSCULAR DYSTROPHY, LIMB-GIRDLE, TYPE 3; Limb-girdle muscular dystrophy, type 2B; Limb-Girdle Muscular Dystrophy Type 2B (LGMD2B); MUSCULAR DYSTROPHY, LIMB-GIRDLE, AUTOSOMAL RECESSIVE 2. Identifiers: Orphanet 268, MedGen C1850889, MONDO:0009676, OMIM 253601.

Allele frequency attached by ClinVar (database versions not stated): 1000 Genomes Project 0.65635; ExAC 0.74658; ESP Exome Variant Server 0.84669; gnomAD exomes 0.79578 and 0.73297; gnomAD 0.80115 and 0.81805; TOPMed 0.80329; 1000 Genomes Project 30x 0.66599.
gnomAD v4.1: 1,222,263 of 1,536,098 alleles (80%); highest among the groups gnomAD compares: African/African-American, 89%; 497,897 homozygotes.

Submissions (6):

Genome-Nilou Lab
Classification: Benign for Autosomal recessive limb-girdle muscular dystrophy type 2B. Last evaluated: 2021-07-30. Review status: criteria provided, single submitter. Criteria: ACMG Guidelines, 2015. Collection method: clinical testing. Allele origin: germline. Affected: no.

Genome-Nilou Lab
Classification: Benign for Distal myopathy with anterior tibial onset. Last evaluated: 2021-07-30. Review status: criteria provided, single submitter. Criteria: ACMG Guidelines, 2015. Collection method: clinical testing. Allele origin: germline. Affected: no.

Genome-Nilou Lab
Classification: Benign for Miyoshi muscular dystrophy 1. Last evaluated: 2021-06-10. Review status: criteria provided, single submitter. Criteria: ACMG Guidelines, 2015. Collection method: clinical testing. Allele origin: germline. Affected: no.

GeneDx
Classification: Benign. Last evaluated: 2018-06-14. Review status: criteria provided, single submitter. Criteria: GeneDx Variant Classification (06012015). Collection method: clinical testing. Allele origin: germline. Affected: yes.
Comment: This variant is considered likely benign or benign based on one or more of the following criteria: it is a conservative change, it occurs at a poorly conserved position in the protein, it is predicted to be benign by multiple in silico algorithms, and/or has population frequency not consistent with disease.

Breakthrough Genomics
Classification: Benign. Review status: criteria provided, single submitter. Criteria: ACMG Guidelines, 2015. Collection method: not provided. Allele origin: germline. Inheritance: Autosomal recessive inheritance. Affected: yes.

PreventionGenetics, part of Exact Sciences
Classification: Benign. Review status: criteria provided, single submitter. Criteria: ACMG Guidelines, 2015. Collection method: clinical testing. Allele origin: germline.